The following is an entry in ClinVar:

ClinVar aggregate classification (germline): Uncertain significance (1 of 4 stars; one submission).

Allele frequency attached by ClinVar (database versions not stated): ESP Exome Variant Server 0.00008.
gnomAD v4.1: 4 of 1,613,176 alleles (0.00025%); highest among the groups gnomAD compares: African/African-American, 0.0027%; no homozygotes.

Submission:

Labcorp Genetics (formerly Invitae), Labcorp
Classification: Uncertain significance. Last evaluated: 2022-08-05. Review status: criteria provided, single submitter. Criteria: Invitae Variant Classification Sherloc (09022015). Collection method: clinical testing. Allele origin: germline.
Comment: This sequence change replaces serine, which is neutral and polar, with tyrosine, which is neutral and polar, at codon 153 of the FNIP1 protein (p.Ser153Tyr). This variant is present in population databases (rs145940981, gnomAD 0.002%). This variant has not been reported in the literature in individuals affected with FNIP1-related conditions. Algorithms developed to predict the effect of missense changes on protein structure and function are either unavailable or do not agree on the potential impact of this missense change (SIFT: "Tolerated"; PolyPhen-2: "Probably Damaging"; Align-GVGD: "Class C0"). In summary, the available evidence is currently insufficient to determine the role of this variant in disease. Therefore, it has been classified as a Variant of Uncertain Significance.

NM_133372.3(FNIP1):c.458C>A (p.Ser153Tyr)

Gene: FNIP1 (folliculin interacting protein 1; minus strand). Cytogenetic location: 5q31.1.
Variant type: single nucleotide variant.
Coding change: c.458C>A on transcript NM_133372.3 (MANE Select); coding-DNA position 458, C replaced by A.
Protein change: p.Ser153Tyr; replaces serine 153 with tyrosine.
Molecular consequence: missense variant.
Genome position (GRCh38, 1-based): chr5:131,719,058, G>T on the plus strand (C>A on the coding strand, the complement: FNIP1 is on the minus strand). VCF-style: chr5-131719058-G-T. GRCh37 (hg19) VCF-style: chr5-131054751-G-T.
Other names: c.458C>A, p.Ser153Tyr (NM_001008738.3, NM_001346113.2); c.323C>A, p.Ser108Tyr (NM_001346114.2); short protein forms S108Y, S153Y.
Identifiers: ClinVar variation 1927480 (VCV001927480.2), dbSNP rs145940981, ClinGen allele CA3400930.